The following is an entry in ClinVar:

ClinVar aggregate classification (germline): Uncertain significance (1 of 4 stars; one submission).

Conditions:
Hereditary cancer-predisposing syndrome. Also called: Neoplastic Syndromes, Hereditary; Tumor predisposition; Hereditary neoplastic syndrome; Hereditary Cancer Syndrome. Identifiers: Orphanet 140162, MedGen C0027672, MeSH D009386, MONDO:0015356.

Submission:

Ambry Genetics
Classification: Uncertain significance for Hereditary cancer-predisposing syndrome. Last evaluated: 2026-07-07. Review status: criteria provided, single submitter. Criteria: Ambry Variant Classification Scheme 2023. Collection method: clinical testing. Allele origin: germline.
Comment: The p.F189L variant (also known as c.567C>G), located in coding exon 5 of the CDH1 gene, results from a C to G substitution at nucleotide position 567. The phenylalanine at codon 189 is replaced by leucine, an amino acid with highly similar properties. This amino acid position is conserved. In addition, this alteration is predicted to be tolerated by in silico analysis. Based on the available evidence, the clinical significance of this variant remains unclear.

NM_004360.5(CDH1):c.567C>G (p.Phe189Leu)

Gene: CDH1 (cadherin 1; plus strand). Cytogenetic location: 16q22.1.
Variant type: single nucleotide variant.
Coding change: c.567C>G on transcript NM_004360.5 (MANE Select); coding-DNA position 567, C replaced by G.
Protein change: p.Phe189Leu; replaces phenylalanine 189 with leucine.
Molecular consequence: missense variant. On other transcripts: 5 prime UTR variant (2).
Genome position (GRCh38, 1-based): chr16:68,808,728, C>G. VCF-style: chr16-68808728-C-G. GRCh37 (hg19) VCF-style: chr16-68842631-C-G.
Other names: c.567C>G, p.Phe189Leu (NM_001317184.2); c.-1049C>G (NM_001317185.2); c.-1253C>G (NM_001317186.2); short protein forms F189L.
Identifiers: ClinVar variation 5033964 (VCV005033964.1).